The following is an entry in ClinVar:

NC_000023.11:g.(?_32484899)_(32849840_?)del

Genes: DMD (dystrophin; minus strand), MIR3915 (microRNA 3915; minus strand), MIR548F5 (microRNA 548f-5; minus strand). Cytogenetic location: Xp21.1.
Variant type: Deletion.
Identifiers: ClinVar variation 647460 (VCV000647460.8).

ClinVar aggregate classification (germline): Pathogenic (1 of 4 stars; one submission).

Conditions:
Duchenne muscular dystrophy (DMD). Also called: MUSCULAR DYSTROPHY, PSEUDOHYPERTROPHIC PROGRESSIVE, DUCHENNE TYPE; Duchenne Muscular Dystrophy (DMD). Identifiers: Orphanet 98896, MedGen C0013264, MONDO:0010679, OMIM 310200.

Submission:

Labcorp Genetics (formerly Invitae), Labcorp
Classification: Pathogenic for Duchenne muscular dystrophy. Last evaluated: 2018-08-20. Review status: criteria provided, single submitter. Criteria: Invitae Variant Classification Sherloc (09022015). Collection method: clinical testing. Allele origin: germline.
Comment: For these reasons, this variant has been classified as Pathogenic. Loss-of-function variants in DMD are known to be pathogenic (PMID: 16770791, 25007885). This variant has been observed in individuals affected with¬†Duchenne and Becker muscular dystrophy (PMID: 8543940, 16030524, 9800909). This variant is an out-of-frame deletion of the genomic region encompassing exons 3-21 of the DMD gene. This is expected to create a premature translational stop signal and result in an absent or disrupted protein product.

Literature cited by the submitters: PubMed 16770791; PubMed 25007885; PubMed 8543940; PubMed 16030524; PubMed 9800909.